The following is an entry in ClinVar:

NM_007294.4(BRCA1):c.2887A>T (p.Thr963Ser)

Gene: BRCA1 (BRCA1 DNA repair associated; minus strand). Cytogenetic location: 17q21.31.
Variant type: single nucleotide variant.
Coding change: c.2887A>T on transcript NM_007294.4 (MANE Select); coding-DNA position 2887, A replaced by T.
Protein change: p.Thr963Ser; replaces threonine 963 with serine.
Molecular consequence: missense variant. On other transcripts: intron variant (137).
Genome position (GRCh38, 1-based): chr17:43,092,644, T>A on the plus strand (A>T on the coding strand, the complement: BRCA1 is on the minus strand). VCF-style: chr17-43092644-T-A. GRCh37 (hg19) VCF-style: chr17-41244661-T-A.
Other names: c.647-1612A>T (NM_001408459.1, NM_001408458.1, NM_001408469.1 and 11 more transcripts); c.584-1612A>T (NM_001408475.1); c.2674A>T, p.Thr892Ser (NM_001407571.1, NM_001407853.1, NM_001407894.1 and 9 more transcripts); c.2887A>T, p.Thr963Ser (NM_001407581.1, NM_001407582.1, NM_001407583.1 and 30 more transcripts); c.2884A>T, p.Thr962Ser (NM_001407587.1, NM_001407590.1, NM_001407591.1 and 22 more transcripts); c.2878A>T, p.Thr960Ser (NM_001407646.1, NM_001407647.1); c.2764A>T, p.Thr922Ser (NM_001407648.1, NM_001407664.1, NM_001407665.1 and 19 more transcripts); c.2761A>T, p.Thr921Ser (NM_001407649.1, NM_001407670.1, NM_001407671.1 and 11 more transcripts); and 41 more; short protein forms T836S, T874S, T936S, T667S, T795S, T835S, T852S, T892S.
Identifiers: ClinVar variation 2841675 (VCV002841675.3), dbSNP rs2053678027, ClinGen allele CA10596213.

ClinVar aggregate classification (germline): Uncertain significance (1 of 4 stars; one submission).

Conditions:
Hereditary breast ovarian cancer syndrome. Also called: Hereditary breast and ovarian cancer syndrome (HBOC); Breast and ovarian cancer; BRCA1- and BRCA2-Associated Hereditary Breast and Ovarian Cancer; Hereditary breast and ovarian cancer syndrome; Hereditary breast and ovarian cancer; Hereditary breast and/or ovarian cancer syndrome. Identifiers: Orphanet 145, MedGen C0677776, MeSH D061325, MONDO:0003582. Disease mechanism: loss of function.

Submission:

Labcorp Genetics (formerly Invitae), Labcorp
Classification: Uncertain significance for Hereditary breast ovarian cancer syndrome. Last evaluated: 2023-03-06. Review status: criteria provided, single submitter. Criteria: Invitae Variant Classification Sherloc (09022015). Collection method: clinical testing. Allele origin: germline.
Comment: In summary, the available evidence is currently insufficient to determine the role of this variant in disease. Therefore, it has been classified as a Variant of Uncertain Significance. This sequence change replaces threonine, which is neutral and polar, with serine, which is neutral and polar, at codon 963 of the BRCA1 protein (p.Thr963Ser). This variant is not present in population databases (gnomAD no frequency). This variant has not been reported in the literature in individuals affected with BRCA1-related conditions. Advanced modeling of protein sequence and biophysical properties (such as structural, functional, and spatial information, amino acid conservation, physicochemical variation, residue mobility, and thermodynamic stability) performed at Invitae indicates that this missense variant is not expected to disrupt BRCA1 protein function.